The following is an entry in ClinVar:

ClinVar aggregate classification (germline): Uncertain significance (1 of 4 stars; one submission).

Conditions:
Amyotrophic lateral sclerosis type 1 (ALS1). Also called: AMYOTROPHIC LATERAL SCLEROSIS 1, FAMILIAL. Identifiers: Orphanet 803, MedGen C1862939, MONDO:0007103, OMIM 105400.
Neuronopathy, distal hereditary motor, type 7B. Also called: HMN VIIB; LOWER MOTOR NEURON DISEASE, DYNACTIN TYPE; NEURONOPATHY, DISTAL HEREDITARY MOTOR, AUTOSOMAL DOMINANT 14; NEURONOPATHY, DISTAL HEREDITARY MOTOR, HARDING TYPE VIIB; NEUROPATHY, DISTAL HEREDITARY MOTOR, HARDING TYPE VIIB; NEUROPATHY, DISTAL HEREDITARY MOTOR, WITH VOCAL CORD PARALYSIS, HARDING TYPE VIIB. Identifiers: Orphanet 139589, MedGen C1843315, MONDO:0011879, OMIM 607641.
Perry syndrome. Also called: PARKINSONISM WITH ALVEOLAR HYPOVENTILATION AND MENTAL DEPRESSION. Identifiers: Orphanet 178509, MedGen C1868594, MONDO:0008201, OMIM 168605.

gnomAD v4.1: 14 of 1,599,108 alleles (0.00088%); highest among the groups gnomAD compares: Non-Finnish European, 0.0011%; no homozygotes.

Submission:

Labcorp Genetics (formerly Invitae), Labcorp
Classification: Uncertain significance for Amyotrophic lateral sclerosis type 1; Neuronopathy, distal hereditary motor, type 7B; Perry syndrome. Last evaluated: 2023-08-03. Review status: criteria provided, single submitter. Criteria: Invitae Variant Classification Sherloc (09022015). Collection method: clinical testing. Allele origin: germline.
Comment: In summary, the available evidence is currently insufficient to determine the role of this variant in disease. Therefore, it has been classified as a Variant of Uncertain Significance. An algorithm developed to predict the effect of missense changes on protein structure and function (PolyPhen-2) suggests that this variant is likely to be tolerated. This variant has not been reported in the literature in individuals affected with DCTN1-related conditions. This variant is present in population databases (rs764615912, gnomAD 0.0009%). This sequence change replaces arginine, which is basic and polar, with proline, which is neutral and non-polar, at codon 143 of the DCTN1 protein (p.Arg143Pro).

NM_004082.5(DCTN1):c.428G>C (p.Arg143Pro)

Gene: DCTN1 (dynactin subunit 1; minus strand). Cytogenetic location: 2p13.1.
Variant type: single nucleotide variant.
Coding change: c.428G>C on transcript NM_004082.5 (MANE Select); coding-DNA position 428, G replaced by C.
Protein change: p.Arg143Pro; replaces arginine 143 with proline.
Molecular consequence: missense variant. On other transcripts: intron variant (3).
Genome position (GRCh38, 1-based): chr2:74,374,327, C>G on the plus strand (G>C on the coding strand, the complement: DCTN1 is on the minus strand). VCF-style: chr2-74374327-C-G. GRCh37 (hg19) VCF-style: chr2-74601454-C-G.
Other names: c.26G>C, p.Arg9Pro (NM_001135041.3, NM_023019.4); c.407G>C, p.Arg136Pro (NM_001190837.2); c.377G>C, p.Arg126Pro (NM_001378991.1); c.343-2599G>C (NM_001190836.2); c.364-1379G>C (NM_001378992.1); c.394-2599G>C (NM_001135040.3); short protein forms R136P, R126P, R143P, R9P.
Identifiers: ClinVar variation 2949979 (VCV002949979.3), dbSNP rs764615912, ClinGen allele CA1722466.
Genomic context (GRCh38, chr2:74,374,327, plus strand): 5'-CTGCTGCCACCATTGCCCTGGCAACCCAGCAGCAGGACGAGAGCAAGCAAGAGTACCTTT[C>G]GGGCTGTCGGTGCCTGTCTCATCATTGCAGAAAACCAAAGAAAGCAAGGAGAGGAAAGAG-3'
Protein context (NP_004073.2, residues 133-153): GLKPKKAPTA[Arg143Pro]KTTTRRPKPT